The following is an entry in ClinVar:

NM_021930.6(RINT1):c.177C>G (p.Phe59Leu)

Gene: RINT1 (RAD50 interactor 1; plus strand). Cytogenetic location: 7q22.3.
Variant type: single nucleotide variant.
Coding change: c.177C>G on transcript NM_021930.6 (MANE Select); coding-DNA position 177, C replaced by G.
Protein change: p.Phe59Leu; replaces phenylalanine 59 with leucine.
Molecular consequence: missense variant. On other transcripts: 5 prime UTR variant (3), non-coding transcript variant (1), intron variant (1).
Genome position (GRCh38, 1-based): chr7:105,536,653, C>G. VCF-style: chr7-105536653-C-G. GRCh37 (hg19) VCF-style: chr7-105177100-C-G.
Other names: c.-843C>G (NM_001346600.2); c.-746C>G (NM_001346601.2); c.-366C>G (NM_001346603.2); c.39+41C>G (NM_001346599.2); short protein forms F59L.
Identifiers: ClinVar variation 3433591 (VCV003433591.1).
Genomic context (GRCh38, chr7:105,536,653, plus strand): 5'-AAGTAAACAAGTCAGTGAAGGTACAGATAATGGTGATCTCCCTTCTTATGTGTCTGCATT[C>G]ATAGAAAAGGAAGTTGGAAATGACCTTAAATCTTTAAAGAAACTTGATAAACTCATAGAA-3'
Protein context (NP_068749.3, residues 49-69): NGDLPSYVSA[Phe59Leu]IEKEVGNDLK

ClinVar aggregate classification (germline): Uncertain significance (1 of 4 stars; one submission).

Submission:

Ambry Genetics
Classification: Uncertain significance. Last evaluated: 2024-07-29. Review status: criteria provided, single submitter. Criteria: Ambry Variant Classification Scheme 2023. Collection method: clinical testing. Allele origin: germline.
Comment: The p.F59L variant (also known as c.177C>G), located in coding exon 3 of the RINT1 gene, results from a C to G substitution at nucleotide position 177. The phenylalanine at codon 59 is replaced by leucine, an amino acid with highly similar properties. This amino acid position is conserved. In addition, this alteration is predicted to be tolerated by in silico analysis. Based on the available evidence, the clinical significance of this variant remains unclear.